The following is an entry in ClinVar:

ClinVar aggregate classification (germline): Uncertain significance. Review status: criteria provided, multiple submitters, no conflicts (2 of 4 stars). 2 submissions from 2 submitters: Uncertain significance (2). Last evaluated 2025-07-30.

Conditions:
Developmental and epileptic encephalopathy, 1 (DEE1). Also called: X-linked infantile spasms; West's syndrome; Tonic spasms with clustering, arrest of psychomotor development and hypsarrhythmia on EEG; X-Linked Infantile Spasm Syndrome; OHTAHARA SYNDROME, X-LINKED; Epileptic encephalopathy, early infantile, 1. Identifiers: MedGen C3463992, MONDO:0010632, OMIM 308350. Disease mechanism: loss of function.
Autosomal dominant nonsyndromic hearing loss 65. Also called: Deafness, autosomal dominant 65; TBC1D24-Related Autosomal Dominant Nonsyndromic Hearing Loss (DFNA). Identifiers: Orphanet 90635, MedGen C3892048, MONDO:0014470, OMIM 616044.

Allele frequency attached by ClinVar (database versions not stated): TOPMed 0.00002; gnomAD exomes 0.00002 and 0.00001; gnomAD 0.00004.
gnomAD v4.1: 33 of 1,613,594 alleles (0.002%); highest among the groups gnomAD compares: African/African-American, 0.0067%; no homozygotes.

Submissions (2):

Labcorp Genetics (formerly Invitae), Labcorp
Classification: Uncertain significance for Developmental and epileptic encephalopathy, 1; Autosomal dominant nonsyndromic hearing loss 65. Last evaluated: 2025-07-30. Review status: criteria provided, single submitter. Criteria: Invitae Variant Classification Sherloc (09022015). Collection method: clinical testing. Allele origin: germline.
Comment: This sequence change replaces arginine, which is basic and polar, with cysteine, which is neutral and slightly polar, at codon 214 of the TBC1D24 protein (p.Arg214Cys). This variant is present in population databases (rs760121083, gnomAD 0.004%). This variant has not been reported in the literature in individuals affected with TBC1D24-related conditions. ClinVar contains an entry for this variant (Variation ID: 474309). Invitae Evidence Modeling of protein sequence and biophysical properties (such as structural, functional, and spatial information, amino acid conservation, physicochemical variation, residue mobility, and thermodynamic stability) has been performed for this missense variant. However, the output from this modeling did not meet the statistical confidence thresholds required to predict the impact of this variant on TBC1D24 protein function. In summary, the available evidence is currently insufficient to determine the role of this variant in disease. Therefore, it has been classified as a Variant of Uncertain Significance.

GeneDx
Classification: Uncertain significance. Last evaluated: 2022-05-17. Review status: criteria provided, single submitter. Criteria: GeneDx Variant Classification Process June 2021. Collection method: clinical testing. Allele origin: germline. Affected: yes.
Comment: Not observed at significant frequency in large population cohorts (gnomAD); In silico analysis supports that this missense variant does not alter protein structure/function; Has not been previously published as pathogenic or benign to our knowledge

NM_001199107.2(TBC1D24):c.640C>T (p.Arg214Cys)

Gene: TBC1D24 (TBC1 domain family member 24; plus strand). Cytogenetic location: 16p13.3.
Variant type: single nucleotide variant.
Coding change: c.640C>T on transcript NM_001199107.2 (MANE Select); coding-DNA position 640, C replaced by T.
Protein change: p.Arg214Cys; replaces arginine 214 with cysteine.
Molecular consequence: missense variant.
Genome position (GRCh38, 1-based): chr16:2,496,788, C>T. VCF-style: chr16-2496788-C-T. GRCh37 (hg19) VCF-style: chr16-2546789-C-T.
Other names: c.640C>T, p.Arg214Cys (NM_020705.3); short protein forms R214C.
Identifiers: ClinVar variation 474309 (VCV000474309.8), dbSNP rs760121083, ClinGen allele CA7844036.